The following is an entry in ClinVar:

ClinVar aggregate classification (germline): Uncertain significance (1 of 4 stars; one submission).

Allele frequency attached by ClinVar (database versions not stated): TOPMed 0.00001; gnomAD exomes below 0.00001; ExAC 0.00001.
gnomAD v4.1: 6 of 1,602,818 alleles (0.00037%); highest among the groups gnomAD compares: Admixed American, 0.0018%; no homozygotes.

Submissions (2):

Labcorp Genetics (formerly Invitae), Labcorp
Classification: Uncertain significance. Last evaluated: 2022-10-22. Review status: criteria provided, single submitter. Criteria: Invitae Variant Classification Sherloc (09022015). Collection method: clinical testing. Allele origin: germline.
Comment: This sequence change falls in intron 3 of the PLD1 gene. It does not directly change the encoded amino acid sequence of the PLD1 protein. It affects a nucleotide within the consensus splice site. In summary, the available evidence is currently insufficient to determine the role of this variant in disease. Therefore, it has been classified as a Variant of Uncertain Significance. Variants that disrupt the consensus splice site are a relatively common cause of aberrant splicing (PMID: 17576681, 9536098). Algorithms developed to predict the effect of sequence changes on RNA splicing suggest that this variant may disrupt the consensus splice site. This variant has not been reported in the literature in individuals affected with PLD1-related conditions. This variant is present in population databases (rs756771186, gnomAD 0.003%).

Dr. Peter K. Rogan Lab, Western University
No classification provided (evidence only). Condition: Gastric cancer. Review status: no classification provided. Collection method: in vitro. Allele origin: not applicable. Functional consequence: skipped exon, retained intron. Not counted in ClinVar's aggregate classification.

Literature cited by the submitters: PubMed 17576681 (cited by Labcorp Genetics (formerly Invitae), Labcorp); PubMed 9536098 (cited by Labcorp Genetics (formerly Invitae), Labcorp).

NM_002662.5(PLD1):c.288+5G>C

Gene: PLD1 (phospholipase D1; minus strand). Cytogenetic location: 3q26.31.
Variant type: single nucleotide variant.
Coding change: c.288+5G>C on transcript NM_002662.5 (MANE Select); 5 bases into the intron after coding-DNA position 288, G replaced by C.
Molecular consequence: intron variant.
Genome position (GRCh38, 1-based): chr3:171,737,527, C>G on the plus strand (G>C on the coding strand, the complement: PLD1 is on the minus strand). VCF-style: chr3-171737527-C-G. GRCh37 (hg19) VCF-style: chr3-171455317-C-G.
Other names: c.288+5G>C (NM_001130081.3).
Identifiers: ClinVar variation 1921047 (VCV001921047.6), dbSNP rs756771186, ClinGen allele CA2705009.